The following is an entry in ClinVar:

ClinVar aggregate classification (germline): Uncertain significance (1 of 4 stars; one submission).

Submission:

Labcorp Genetics (formerly Invitae), Labcorp
Classification: Uncertain significance. Last evaluated: 2022-04-13. Review status: criteria provided, single submitter. Criteria: Invitae Variant Classification Sherloc (09022015). Collection method: clinical testing. Allele origin: germline.
Comment: In summary, the available evidence is currently insufficient to determine the role of this variant in disease. Therefore, it has been classified as a Variant of Uncertain Significance. This variant has not been reported in the literature in individuals affected with SLC1A3-related conditions. This variant is not present in population databases (gnomAD no frequency). This sequence change creates a premature translational stop signal (p.Leu68Serfs*6) in the SLC1A3 gene. It is expected to result in an absent or disrupted protein product. However, the current clinical and genetic evidence is not sufficient to establish whether loss-of-function variants in SLC1A3 cause disease.

NM_004172.5(SLC1A3):c.202del (p.Leu68fs)

Gene: SLC1A3 (solute carrier family 1 member 3; plus strand). Cytogenetic location: 5p13.2.
Variant type: Deletion.
Coding change: c.202del on transcript NM_004172.5 (MANE Select); coding-DNA position 202, one base deleted (C; older notation c.202delC).
Protein change: p.Leu68fs; shifts the reading frame from leucine 68.
Molecular consequence: frameshift variant. On other transcripts: intron variant (1).
Genome position (GRCh38, 1-based): chr5:36,629,470, C deleted; the last of 3 consecutive C bases (chr5:36,629,468-36,629,470); deleting any one gives the same sequence. VCF-style (leftmost placement, unchanged base first): chr5-36629467-AC-A. GRCh37 (hg19) VCF-style: chr5-36629569-AC-A.
Other names: c.202del, p.Leu68fs (NM_001166695.3, NM_001289940.2); c.181+20866del (NM_001289939.2); short protein forms L68fs.
Identifiers: ClinVar variation 2124080 (VCV002124080.4), dbSNP rs2477947332, ClinGen allele CA2580073194.